The following is an entry in ClinVar:

NM_000260.4(MYO7A):c.4550_4551del (p.Met1517fs)

Gene: MYO7A (myosin VIIA; plus strand). Cytogenetic location: 11q13.5.
Variant type: Deletion.
Coding change: c.4550_4551del on transcript NM_000260.4 (MANE Select); coding-DNA positions 4550 to 4551, 2 bases deleted (TG; older notation c.4550_4551delTG).
Protein change: p.Met1517fs; shifts the reading frame from methionine 1517.
Molecular consequence: frameshift variant.
Genome position (GRCh38, 1-based): chr11:77,198,603-77,198,604, TG deleted. VCF-style (leftmost placement, unchanged base first): chr11-77198602-ATG-A. GRCh37 (hg19) VCF-style: chr11-76909647-ATG-A.
Other names: c.4550_4551del, p.Met1517fs (NM_001127180.2); c.4517_4518del, p.Met1506fs (NM_001369365.1); short protein forms M1517fs, M1506fs.
Identifiers: ClinVar variation 4802462 (VCV004802462.2).

ClinVar aggregate classification (germline): Pathogenic. Review status: criteria provided, multiple submitters, no conflicts (2 of 4 stars). 2 submissions from 2 submitters: Pathogenic (2). Last evaluated 2023-12-12.

Conditions:
MYO7A-related disorder. Also called: MYO7A-related disorders.

Submissions (2):

Blueprint Genetics
Classification: Pathogenic for MYO7A-related disorders. Last evaluated: 2023-12-12. Review status: criteria provided, single submitter. Criteria: ACMG Guidelines, 2015. Collection method: clinical testing. Allele origin: germline. Affected: yes. Observed: 5 variant alleles.

Labcorp Genetics (formerly Invitae), Labcorp
Classification: Pathogenic. Last evaluated: 2022-12-16. Review status: criteria provided, single submitter. Criteria: Invitae Variant Classification Sherloc (09022015). Collection method: clinical testing. Allele origin: germline.
Comment: This variant, c.4550_4551delTG, is a complex sequence change that results in the deletion of 3 and insertion of 1 amino acid(s) in the MYO7A protein (p.Met1517Serfs*18). For these reasons, this variant has been classified as Pathogenic. This variant is also known as c.4543_4551delGAGATCATGinsGCA. This variant has been observed in individual(s) with clinical features of Usher syndrome (PMID: 16963483, 27743452; Invitae). In at least one individual the data is consistent with being in trans (on the opposite chromosome) from a pathogenic variant. Information on the frequency of this variant in the gnomAD database is not available, as this variant may be reported differently in the database.

Literature cited by the submitters: PubMed 16963483 (cited by Labcorp Genetics (formerly Invitae), Labcorp); PubMed 27743452 (cited by Labcorp Genetics (formerly Invitae), Labcorp).